The following is an entry in ClinVar:

NM_001378454.1(ALMS1):c.651A>G (p.Ile217Met)

Gene: ALMS1 (ALMS1 centrosome and basal body associated protein; plus strand). Cytogenetic location: 2p13.1.
Variant type: single nucleotide variant.
Coding change: c.651A>G on transcript NM_001378454.1 (MANE Select); coding-DNA position 651, A replaced by G.
Protein change: p.Ile217Met; replaces isoleucine 217 with methionine.
Molecular consequence: missense variant.
Genome position (GRCh38, 1-based): chr2:73,422,861, A>G. VCF-style: chr2-73422861-A-G. GRCh37 (hg19) VCF-style: chr2-73649989-A-G.
Other names: c.654A>G, p.Ile218Met (NM_015120.4); short protein forms I217M, I218M.
Identifiers: ClinVar variation 843302 (VCV000843302.7), dbSNP rs774831792, ClinGen allele CA1712929.

ClinVar aggregate classification (germline): Uncertain significance. Review status: criteria provided, multiple submitters, no conflicts (2 of 4 stars). 4 submissions from 4 submitters: Uncertain significance (3). 1 of the submissions does not count toward it. Last evaluated 2024-09-12.

Conditions:
Cardiovascular phenotype. Identifiers: MedGen CN230736.
Alstrom syndrome (ALMS). Identifiers: Orphanet 64, MedGen C0268425, MONDO:0008763, OMIM 203800.

Allele frequency attached by ClinVar (database versions not stated): ExAC 0.00002; gnomAD exomes 0.00002; gnomAD 0.00003; TOPMed 0.00003.
gnomAD v4.1: 35 of 1,610,704 alleles (0.0022%); highest among the groups gnomAD compares: African/African-American, 0.0027%; no homozygotes.

Submissions (4):

Ambry Genetics
Classification: Uncertain significance for Cardiovascular phenotype. Last evaluated: 2024-09-12. Review status: criteria provided, single submitter. Criteria: Ambry Variant Classification Scheme 2023. Collection method: clinical testing. Allele origin: germline.
Comment: The p.I218M variant (also known as c.654A>G), located in coding exon 4 of the ALMS1 gene, results from an A to G substitution at nucleotide position 654. The isoleucine at codon 218 is replaced by methionine, an amino acid with highly similar properties. This amino acid position is not well conserved in available vertebrate species. In addition, the in silico prediction for this alteration is inconclusive. Since supporting evidence is limited at this time, the clinical significance of this alteration remains unclear.

Labcorp Genetics (formerly Invitae), Labcorp
Classification: Uncertain significance for Alstrom syndrome. Last evaluated: 2022-08-07. Review status: criteria provided, single submitter. Criteria: Invitae Variant Classification Sherloc (09022015). Collection method: clinical testing. Allele origin: germline.
Comment: This sequence change replaces isoleucine, which is neutral and non-polar, with methionine, which is neutral and non-polar, at codon 218 of the ALMS1 protein (p.Ile218Met). This variant is present in population databases (rs774831792, gnomAD 0.006%), including at least one homozygous and/or hemizygous individual. This variant has not been reported in the literature in individuals affected with ALMS1-related conditions. ClinVar contains an entry for this variant (Variation ID: 843302). Experimental studies and prediction algorithms are not available or were not evaluated, and the functional significance of this variant is currently unknown. In summary, the available evidence is currently insufficient to determine the role of this variant in disease. Therefore, it has been classified as a Variant of Uncertain Significance.

Fulgent Genetics
Classification: Uncertain significance for Alstrom syndrome. Last evaluated: 2021-11-11. Review status: criteria provided, single submitter. Criteria: ACMG Guidelines, 2015. Collection method: clinical testing. Allele origin: unknown.

Natera, Inc.
Classification: Uncertain significance for Alstrom syndrome. Last evaluated: 2020-09-16. Review status: no assertion criteria provided. Collection method: clinical testing. Allele origin: germline. Not counted in ClinVar's aggregate classification.